The following is an entry in ClinVar:

ClinVar aggregate classification (germline): Uncertain significance. Review status: criteria provided, multiple submitters, no conflicts (2 of 4 stars). 2 submissions from 2 submitters: Uncertain significance (2). Last evaluated 2025-07-15.

Conditions:
Inborn genetic diseases. Identifiers: MedGen C0950123, MeSH D030342.

Allele frequency attached by ClinVar (database versions not stated): TOPMed below 0.00001; ExAC 0.00001; gnomAD exomes 0.00001.
gnomAD v4.1: 9 of 1,613,758 alleles (0.00056%); highest among the groups gnomAD compares: Non-Finnish European, 0.00068%; no homozygotes.

Submissions (2):

Labcorp Genetics (formerly Invitae), Labcorp
Classification: Uncertain significance. Last evaluated: 2025-07-15. Review status: criteria provided, single submitter. Criteria: Invitae Variant Classification Sherloc (09022015). Collection method: clinical testing. Allele origin: germline.
Comment: This sequence change replaces alanine, which is neutral and non-polar, with threonine, which is neutral and polar, at codon 315 of the TTC37 protein (p.Ala315Thr). This variant is present in population databases (rs763309477, gnomAD 0.003%). This variant has not been reported in the literature in individuals affected with TTC37-related conditions. ClinVar contains an entry for this variant (Variation ID: 2487316). An algorithm developed to predict the effect of missense changes on protein structure and function outputs the following: PolyPhen-2: "Benign". The threonine amino acid residue is found in multiple mammalian species, which suggests that this missense change does not adversely affect protein function. In summary, the available evidence is currently insufficient to determine the role of this variant in disease. Therefore, it has been classified as a Variant of Uncertain Significance.

Ambry Genetics
Classification: Uncertain significance for Inborn genetic diseases. Last evaluated: 2023-02-22. Review status: criteria provided, single submitter. Criteria: Ambry Variant Classification Scheme 2023. Collection method: clinical testing. Allele origin: germline.

NM_014639.4(SKIC3):c.943G>A (p.Ala315Thr)

Gene: SKIC3 (SKI3 subunit of superkiller complex; minus strand). Cytogenetic location: 5q15.
Variant type: single nucleotide variant.
Coding change: c.943G>A on transcript NM_014639.4 (MANE Select); coding-DNA position 943, G replaced by A.
Protein change: p.Ala315Thr; replaces alanine 315 with threonine.
Molecular consequence: missense variant.
Genome position (GRCh38, 1-based): chr5:95,529,052, C>T on the plus strand (G>A on the coding strand, the complement: SKIC3 is on the minus strand). VCF-style: chr5-95529052-C-T. GRCh37 (hg19) VCF-style: chr5-94864756-C-T.
Other names: short protein forms A315T.
Identifiers: ClinVar variation 2487316 (VCV002487316.4), dbSNP rs763309477, ClinGen allele CA3347475.